The following is an entry in ClinVar:

ClinVar aggregate classification (germline): Uncertain significance. Review status: criteria provided, multiple submitters, no conflicts (2 of 4 stars). 2 submissions from 2 submitters: Uncertain significance (2). Last evaluated 2023-12-22.

Conditions:
Transcobalamin II deficiency (TCN2D). Also called: TC II DEFICIENCY; TCN2 DEFICIENCY; Transcolabamin II deficiency. Identifiers: Orphanet 859, MedGen C0342701, MONDO:0010149, OMIM 275350.
Inborn genetic diseases. Identifiers: MedGen C0950123, MeSH D030342.

Allele frequency attached by ClinVar (database versions not stated): ExAC 0.00003; gnomAD 0.00003 and 0.00004; gnomAD exomes 0.00004 and 0.00005; TOPMed 0.00004.

Submissions (2):

Ambry Genetics
Classification: Uncertain significance for Inborn genetic diseases. Last evaluated: 2023-12-22. Review status: criteria provided, single submitter. Criteria: Ambry Variant Classification Scheme 2023. Collection method: clinical testing. Allele origin: germline.

Labcorp Genetics (formerly Invitae), Labcorp
Classification: Uncertain significance for Transcobalamin II deficiency. Last evaluated: 2022-08-20. Review status: criteria provided, single submitter. Criteria: Invitae Variant Classification Sherloc (09022015). Collection method: clinical testing. Allele origin: germline.
Comment: This sequence change replaces proline, which is neutral and non-polar, with leucine, which is neutral and non-polar, at codon 100 of the TCN2 protein (p.Pro100Leu). This variant is present in population databases (rs752901101, gnomAD 0.01%). This variant has not been reported in the literature in individuals affected with TCN2-related conditions. ClinVar contains an entry for this variant (Variation ID: 570953). Algorithms developed to predict the effect of missense changes on protein structure and function (SIFT, PolyPhen-2, Align-GVGD) all suggest that this variant is likely to be tolerated. In summary, the available evidence is currently insufficient to determine the role of this variant in disease. Therefore, it has been classified as a Variant of Uncertain Significance.

NM_000355.4(TCN2):c.299C>T (p.Pro100Leu)

Gene: TCN2 (transcobalamin 2; plus strand). Cytogenetic location: 22q12.2.
Variant type: single nucleotide variant.
Coding change: c.299C>T on transcript NM_000355.4 (MANE Select); coding-DNA position 299, C replaced by T.
Protein change: p.Pro100Leu; replaces proline 100 with leucine.
Molecular consequence: missense variant.
Genome position (GRCh38, 1-based): chr22:30,612,914, C>T. VCF-style: chr22-30612914-C-T. GRCh37 (hg19) VCF-style: chr22-31008901-C-T.
Other names: c.299C>T, p.Pro100Leu (NM_001184726.2); short protein forms P100L.
Identifiers: ClinVar variation 570953 (VCV000570953.6), dbSNP rs752901101, ClinGen allele CA10184576.